The following is an entry in ClinVar:

NM_016239.4(MYO15A):c.1858G>T (p.Glu620Ter)

Gene: MYO15A (myosin XVA; plus strand). Cytogenetic location: 17p11.2.
Variant type: single nucleotide variant.
Coding change: c.1858G>T on transcript NM_016239.4 (MANE Select); coding-DNA position 1858, G replaced by T.
Protein change: p.Glu620Ter; replaces glutamic acid 620 with a stop codon.
Molecular consequence: nonsense.
Genome position (GRCh38, 1-based): chr17:18,120,658, G>T. VCF-style: chr17-18120658-G-T. GRCh37 (hg19) VCF-style: chr17-18023972-G-T.
Other names: short protein forms E620*.
Identifiers: ClinVar variation 1687328 (VCV001687328.1), dbSNP rs1445431722, ClinGen allele CA398580167.

ClinVar aggregate classification (germline): Likely pathogenic (1 of 4 stars; one submission).

Conditions:
Autosomal recessive nonsyndromic hearing loss 3. Also called: NEUROSENSORY NONSYNDROMIC RECESSIVE DEAFNESS 3. Identifiers: Orphanet 90636, MedGen C1838263, MONDO:0010860, OMIM 600316.

Submission:

3billion
Classification: Likely pathogenic for Autosomal recessive nonsyndromic hearing loss 3. Last evaluated: 2022-05-22. Review status: criteria provided, single submitter. Criteria: ACMG Guidelines, 2015. Collection method: clinical testing. Allele origin: germline. Affected: yes. Observed: 1 heterozygote.
Comment: The variant is not observed in the gnomAD v2.1.1 dataset. Stop-gained (nonsense): predicted to result in a loss or disruption of normal protein function through nonsense-mediated decay (NMD) or protein truncation. Multiple pathogenic variants are reported downstream of the variant. Therefore, this variant is classified as likely pathogenic according to the recommendation of ACMG/AMP guideline.